The following is an entry in ClinVar:

NM_005732.4(RAD50):c.1066C>G (p.Gln356Glu)

Gene: RAD50 (RAD50 double strand break repair protein; plus strand). Cytogenetic location: 5q31.1.
Variant type: single nucleotide variant.
Coding change: c.1066C>G on transcript NM_005732.4 (MANE Select); coding-DNA position 1066, C replaced by G.
Protein change: p.Gln356Glu; replaces glutamine 356 with glutamic acid.
Molecular consequence: missense variant.
Genome position (GRCh38, 1-based): chr5:132,588,701, C>G. VCF-style: chr5-132588701-C-G. GRCh37 (hg19) VCF-style: chr5-131924393-C-G.
Other names: short protein forms Q356E.
Identifiers: ClinVar variation 480460 (VCV000480460.15), dbSNP rs1554098238, ClinGen allele CA360942010.

ClinVar aggregate classification (germline): Uncertain significance. Review status: criteria provided, multiple submitters, no conflicts (2 of 4 stars). 2 submissions from 2 submitters: Uncertain significance (2). Last evaluated 2023-11-24.

Conditions:
Hereditary cancer-predisposing syndrome. Also called: Hereditary Cancer Syndrome; Neoplastic Syndromes, Hereditary; Tumor predisposition; Hereditary neoplastic syndrome. Identifiers: Orphanet 140162, MedGen C0027672, MeSH D009386, MONDO:0015356.

Allele frequency attached by ClinVar (database versions not stated): TOPMed below 0.00001.

Submissions (2):

Labcorp Genetics (formerly Invitae), Labcorp
Classification: Uncertain significance for Hereditary cancer-predisposing syndrome. Last evaluated: 2023-11-24. Review status: criteria provided, single submitter. Criteria: Invitae Variant Classification Sherloc (09022015). Collection method: clinical testing. Allele origin: germline.
Comment: This sequence change replaces glutamine, which is neutral and polar, with glutamic acid, which is acidic and polar, at codon 356 of the RAD50 protein (p.Gln356Glu). This variant is not present in population databases (gnomAD no frequency). This variant has not been reported in the literature in individuals affected with RAD50-related conditions. ClinVar contains an entry for this variant (Variation ID: 480460). Advanced modeling of protein sequence and biophysical properties (such as structural, functional, and spatial information, amino acid conservation, physicochemical variation, residue mobility, and thermodynamic stability) performed at Invitae indicates that this missense variant is not expected to disrupt RAD50 protein function with a negative predictive value of 80%. In summary, the available evidence is currently insufficient to determine the role of this variant in disease. Therefore, it has been classified as a Variant of Uncertain Significance.

Ambry Genetics
Classification: Uncertain significance for Hereditary cancer-predisposing syndrome. Last evaluated: 2019-03-20. Review status: criteria provided, single submitter. Criteria: Ambry Variant Classification Scheme 2023. Collection method: clinical testing. Allele origin: germline.
Comment: The p.Q356E variant (also known as c.1066C>G), located in coding exon 8 of the RAD50 gene, results from a C to G substitution at nucleotide position 1066. The glutamine at codon 356 is replaced by glutamic acid, an amino acid with highly similar properties. This amino acid position is well conserved in available vertebrate species. In addition, this alteration is predicted to be tolerated by in silico analysis. Since supporting evidence is limited at this time, the clinical significance of this alteration remains unclear.